The following is an entry in ClinVar:

NM_014633.5(CTR9):c.75G>A (p.Pro25=)

Gene: CTR9 (CTR9 component of Paf1/RNA polymerase II complex; plus strand). Cytogenetic location: 11p15.4.
Variant type: single nucleotide variant.
Coding change: c.75G>A on transcript NM_014633.5 (MANE Select); coding-DNA position 75, G replaced by A.
Protein change: p.Pro25=; no amino-acid change (proline 25 retained).
Molecular consequence: synonymous variant.
Genome position (GRCh38, 1-based): chr11:10,752,701, G>A. VCF-style: chr11-10752701-G-A. GRCh37 (hg19) VCF-style: chr11-10774248-G-A.
Other names: c.75G>A, p.Pro25= (NM_001346279.2); c.75G>A (NM_014633.4).
Identifiers: ClinVar variation 1137004 (VCV001137004.14), dbSNP rs138850547, ClinGen allele CA5884790.

ClinVar aggregate classification (germline): Likely benign. Review status: criteria provided, multiple submitters, no conflicts (2 of 4 stars). 3 submissions from 3 submitters: Likely benign (2). 1 of the submissions does not count toward it. Last evaluated 2026-03-01.

Conditions:
CTR9-related disorder. Also called: CTR9-related condition.

Allele frequency attached by ClinVar (database versions not stated): gnomAD 0.00004 and 0.00005; TOPMed 0.00005; gnomAD exomes 0.00006 and 0.00008; ExAC 0.00009; ESP Exome Variant Server 0.00015.
gnomAD v4.1: 127 of 1,613,724 alleles (0.0079%); highest among the groups gnomAD compares: Non-Finnish European, 0.01%; no homozygotes.

Submissions (3):

CeGaT Center for Human Genetics Tuebingen
Classification: Likely benign. Last evaluated: 2026-03-01. Review status: criteria provided, single submitter. Criteria: CeGaT Center For Human Genetics Tuebingen Variant Classification Criteria Version 2. Collection method: clinical testing. Allele origin: germline. Affected: yes. Observed: 1 variant allele.
Comment: CTR9: BP4, BP7

Labcorp Genetics (formerly Invitae), Labcorp
Classification: Likely benign. Last evaluated: 2023-02-23. Review status: criteria provided, single submitter. Criteria: Invitae Variant Classification Sherloc (09022015). Collection method: clinical testing. Allele origin: germline.

PreventionGenetics, part of Exact Sciences
Classification: Likely benign for CTR9-related condition. Last evaluated: 2024-09-18. Review status: no assertion criteria provided. Collection method: clinical testing. Allele origin: germline. Not counted in ClinVar's aggregate classification.
Comment: This variant is classified as likely benign based on ACMG/AMP sequence variant interpretation guidelines (Richards et al. 2015 PMID: 25741868, with internal and published modifications).